The following is an entry in ClinVar:

ClinVar aggregate classification (germline): Uncertain significance (1 of 4 stars; one submission).

Submission:

Labcorp Genetics (formerly Invitae), Labcorp
Classification: Uncertain significance. Last evaluated: 2025-04-25. Review status: criteria provided, single submitter. Criteria: Invitae Variant Classification Sherloc (09022015). Collection method: clinical testing. Allele origin: germline.
Comment: This sequence change replaces lysine, which is basic and polar, with threonine, which is neutral and polar, at codon 918 of the DNA2 protein (p.Lys918Thr). This variant is not present in population databases (gnomAD no frequency). This variant has not been reported in the literature in individuals affected with DNA2-related conditions. Invitae Evidence Modeling of protein sequence and biophysical properties (such as structural, functional, and spatial information, amino acid conservation, physicochemical variation, residue mobility, and thermodynamic stability) indicates that this missense variant is not expected to disrupt DNA2 protein function with a negative predictive value of 80%. In summary, the available evidence is currently insufficient to determine the role of this variant in disease. Therefore, it has been classified as a Variant of Uncertain Significance.

NM_001080449.3(DNA2):c.2753A>C (p.Lys918Thr)

Gene: DNA2 (DNA replication helicase/nuclease 2; minus strand). Cytogenetic location: 10q21.3.
Variant type: single nucleotide variant.
Coding change: c.2753A>C on transcript NM_001080449.3 (MANE Select); coding-DNA position 2753, A replaced by C.
Protein change: p.Lys918Thr; replaces lysine 918 with threonine.
Molecular consequence: missense variant. On other transcripts: non-coding transcript variant (1).
Genome position (GRCh38, 1-based): chr10:68,419,837, T>G on the plus strand (A>C on the coding strand, the complement: DNA2 is on the minus strand). VCF-style: chr10-68419837-T-G. GRCh37 (hg19) VCF-style: chr10-70179594-T-G.
Other names: short protein forms K918T.
Identifiers: ClinVar variation 4746514 (VCV004746514.1).
Genomic context (GRCh38, chr10:68,419,837, plus strand): 5'-TGCTAGCCTTGAAAATTCTAAATTACCTTAACAAAAATGGAGGTTAGGAAAACTATGAGT[T>G]TGGCTTCTGTTACATTGCTCACACCACCTTTTTCAACTTGTTCTGGCGCTGGAACCTAAG-3'
Protein context (NP_001073918.2, residues 908-928): KGGVSNVTEA[Lys918Thr]LIVFLTSIFV